The following is an entry in ClinVar:

NM_006766.5(KAT6A):c.737C>A (p.Pro246His)

Gene: KAT6A (lysine acetyltransferase 6A; minus strand). Cytogenetic location: 8p11.21.
Variant type: single nucleotide variant.
Coding change: c.737C>A on transcript NM_006766.5 (MANE Select); coding-DNA position 737, C replaced by A.
Protein change: p.Pro246His; replaces proline 246 with histidine.
Molecular consequence: missense variant.
Genome position (GRCh38, 1-based): chr8:41,981,927, G>T on the plus strand (C>A on the coding strand, the complement: KAT6A is on the minus strand). VCF-style: chr8-41981927-G-T. GRCh37 (hg19) VCF-style: chr8-41839445-G-T.
Other names: c.737C>A, p.Pro246His (NM_001305878.2); short protein forms P246H.
Identifiers: ClinVar variation 3365056 (VCV003365056.2).
Genomic context (GRCh38, chr8:41,981,927, plus strand): 5'-CTGCATGTTTTACACTCGATGCACTGCCACCGTAAGGCCTTCACTCGAACCGTTAGTTCA[G>T]GGGAAAACTTTAAACAGGATGGATGGCCTAATACGAGGGAGAACATTCATGAATGAAACA-3'
Protein context (NP_006757.2, residues 236-256): SGHPSCLKFS[Pro246His]ELTVRVKALR

ClinVar aggregate classification (germline): Uncertain significance (1 of 4 stars; one submission).

Submission:

GeneDx
Classification: Uncertain significance. Last evaluated: 2024-12-18. Review status: criteria provided, single submitter. Criteria: GeneDx Variant Classification Process June 2021. Collection method: clinical testing. Allele origin: germline.
Comment: Not observed at significant frequency in large population cohorts (gnomAD); In silico analysis supports that this missense variant has a deleterious effect on protein structure/function; Has not been previously published as pathogenic or benign to our knowledge